The following is an entry in ClinVar:

ClinVar aggregate classification (germline): Conflicting classifications of pathogenicity. Review status: criteria provided, conflicting classifications (1 of 4 stars). 4 submissions from 4 submitters: Uncertain significance (1); Likely benign (2). 1 of the submissions does not count toward it. Last evaluated 2024-11-28.

Conditions:
ZMYND15-related disorder. Also called: ZMYND15-related condition.

Allele frequency attached by ClinVar (database versions not stated): 1000 Genomes Project 0.00040; 1000 Genomes Project 30x 0.00078; gnomAD 0.00242 and 0.00255; gnomAD exomes 0.00250 and 0.00322; TOPMed 0.00253; ExAC 0.00265; ESP Exome Variant Server 0.00315.

Submissions (4):

Blueprint Genetics
Classification: Likely benign. Last evaluated: 2024-11-28. Review status: criteria provided, single submitter. Criteria: ACMG Guidelines, 2015. Collection method: clinical testing. Allele origin: germline.

CeGaT Center for Human Genetics Tuebingen
Classification: Uncertain significance. Last evaluated: 2022-01-01. Review status: criteria provided, single submitter. Criteria: CeGaT Center For Human Genetics Tuebingen Variant Classification Criteria Version 2. Collection method: clinical testing. Allele origin: germline. Affected: yes. Observed: 1 variant allele.

Labcorp Genetics (formerly Invitae), Labcorp
Classification: Likely benign. Last evaluated: 2018-06-06. Review status: criteria provided, single submitter. Criteria: Invitae Variant Classification Sherloc (09022015). Collection method: clinical testing. Allele origin: germline.

PreventionGenetics, part of Exact Sciences
Classification: Likely benign for ZMYND15-related condition. Last evaluated: 2022-11-07. Review status: no assertion criteria provided. Collection method: clinical testing. Allele origin: germline. Not counted in ClinVar's aggregate classification.
Comment: This variant is classified as likely benign based on ACMG/AMP sequence variant interpretation guidelines (Richards et al. 2015 PMID: 25741868, with internal and published modifications).

NM_001136046.3(ZMYND15):c.2015G>A (p.Arg672His)

Gene: ZMYND15 (zinc finger MYND-type containing 15; plus strand). Cytogenetic location: 17p13.2.
Variant type: single nucleotide variant.
Coding change: c.2015G>A on transcript NM_001136046.3 (MANE Select); coding-DNA position 2015, G replaced by A.
Protein change: p.Arg672His; replaces arginine 672 with histidine.
Molecular consequence: missense variant.
Genome position (GRCh38, 1-based): chr17:4,745,333, G>A. VCF-style: chr17-4745333-G-A. GRCh37 (hg19) VCF-style: chr17-4648628-G-A.
Other names: c.2039G>A, p.Arg680His (NM_001267822.1); c.1898G>A, p.Arg633His (NM_032265.2); short protein forms R680H, R672H, R633H.
Identifiers: ClinVar variation 715430 (VCV000715430.37), dbSNP rs148980412, ClinGen allele CA8310025.